The following is an entry in ClinVar:

NM_001009923.2:c.422G>A

Gene: TMEM230 (transmembrane protein 230; minus strand).
Variant type: single nucleotide variant.
Other names: p.Arg141Gln.
Identifiers: ClinVar variation 4684407 (VCV004684407.1).

ClinVar aggregate classification (germline): Likely benign (1 of 4 stars; one submission).

Submission:

Mayo Clinic Laboratories, Mayo Clinic
Classification: Likely benign. Last evaluated: 2025-05-23. Review status: criteria provided, single submitter. Criteria: ACMG Guidelines, 2015. Collection method: clinical testing. Allele origin: germline. Observed: 1 variant allele.
Comment: BS2, BP4_moderate

Literature cited by the submitters: PubMed 30804554.